The following is an entry in ClinVar:

ClinVar aggregate classification (germline): Conflicting classifications of pathogenicity. Review status: criteria provided, conflicting classifications (1 of 4 stars). 3 submissions from 3 submitters: Uncertain significance (1); Likely benign (2). Last evaluated 2025-12-28.

Conditions:
Cardiovascular phenotype. Identifiers: MedGen CN230736.
Myofibrillar myopathy 4. Also called: Zaspopathy (type). Identifiers: Orphanet 98912, MedGen C4721886, MONDO:0012277, OMIM 609452.

Allele frequency attached by ClinVar (database versions not stated): gnomAD exomes 0.00002; ExAC 0.00003; TOPMed 0.00004; gnomAD 0.00005 and 0.00006; ESP Exome Variant Server 0.00008.
gnomAD v4.1: 16 of 1,613,110 alleles (0.00099%); highest among the groups gnomAD compares: African/African-American, 0.013%; no homozygotes.

Submissions (3):

Labcorp Genetics (formerly Invitae), Labcorp
Classification: Likely benign for Myofibrillar myopathy 4. Last evaluated: 2025-12-28. Review status: criteria provided, single submitter. Criteria: Invitae Variant Classification Sherloc (09022015). Collection method: clinical testing. Allele origin: germline.

Ambry Genetics
Classification: Likely benign for Cardiovascular phenotype. Last evaluated: 2025-07-14. Review status: criteria provided, single submitter. Criteria: Ambry Variant Classification Scheme 2023. Collection method: clinical testing. Allele origin: germline.

GeneDx
Classification: Uncertain significance. Last evaluated: 2023-12-20. Review status: criteria provided, single submitter. Criteria: GeneDx Variant Classification Process June 2021. Collection method: clinical testing. Allele origin: germline. Affected: yes.
Comment: Has not been previously published as pathogenic or benign to our knowledge; In silico analysis supports that this variant does not alter splicing

NM_007078.3(LDB3):c.533G>A (p.Arg178Gln)

Gene: LDB3 (LIM domain binding 3; plus strand). Cytogenetic location: 10q23.2.
Variant type: single nucleotide variant.
Coding change: c.533G>A on transcript NM_007078.3 (MANE Select); coding-DNA position 533, G replaced by A.
Protein change: p.Arg178Gln; replaces arginine 178 with glutamine.
Molecular consequence: missense variant. On other transcripts: intron variant (5).
Genome position (GRCh38, 1-based): chr10:86,681,647, G>A. VCF-style: chr10-86681647-G-A. GRCh37 (hg19) VCF-style: chr10-88441404-G-A.
Other names: c.533G>A, p.Arg178Gln (NM_001080115.2, NM_001171610.2, NM_001171611.2 and 3 more transcripts); c.321+1490G>A (NM_001368068.1, NM_001368066.1, NM_001080114.2 and 2 more transcripts); short protein forms R178Q.
Identifiers: ClinVar variation 432726 (VCV000432726.12), dbSNP rs143311349, ClinGen allele CA5584731.
Genomic context (GRCh38, chr10:86,681,647, plus strand): 5'-CCTCTGACCCTGGCCCTCCGCGGGCCAGCCTGAGGGCCAAGACCAGCCCAGAGGGGGCCC[G>A]GGACCTACTCGGCCCAAAAGCCCTGCCGGGCTCGAGCCAGCCGAGGCAATATAACAACCC-3'
Protein context (NP_009009.1, residues 168-188): LRAKTSPEGA[Arg178Gln]DLLGPKALPG